The following is an entry in ClinVar:

NM_001374736.1(DST):c.4838A>T (p.Asp1613Val)

Gene: DST (dystonin; minus strand). Cytogenetic location: 6p12.1.
Variant type: single nucleotide variant.
Coding change: c.4838A>T on transcript NM_001374736.1 (MANE Select); coding-DNA position 4838, A replaced by T.
Protein change: p.Asp1613Val; replaces aspartic acid 1613 with valine.
Molecular consequence: missense variant.
Genome position (GRCh38, 1-based): chr6:56,624,621, T>A on the plus strand (A>T on the coding strand, the complement: DST is on the minus strand). VCF-style: chr6-56624621-T-A. GRCh37 (hg19) VCF-style: chr6-56489419-T-A.
Other names: c.4739A>T, p.Asp1580Val (NM_001144769.5); c.4325A>T, p.Asp1442Val (NM_001144770.2); c.4838A>T, p.Asp1613Val (NM_001374722.1); c.4205A>T, p.Asp1402Val (NM_001374729.1, NM_001374730.1, NM_001386100.1 and 1 more transcripts); c.4865A>T, p.Asp1622Val (NM_001374734.1); c.3227A>T, p.Asp1076Val (NM_001723.7, NM_015548.5); short protein forms D1076V, D1442V, D1402V, D1580V, D1613V, D1622V.
Identifiers: ClinVar variation 661108 (VCV000661108.9), dbSNP rs763518160, ClinGen allele CA364572636.

ClinVar aggregate classification (germline): Uncertain significance (1 of 4 stars; one submission).

Conditions:
Epidermolysis bullosa simplex 3, localized or generalized intermediate, with BP230 deficiency (EBS3). Also called: Epidermolysis bullosa simplex due to BP230 deficiency; Epidermolysis bullosa simplex, autosomal recessive 2. Identifiers: Orphanet 412181, MedGen C3809470, MONDO:0014180, OMIM 615425.
Hereditary sensory and autonomic neuropathy type 6. Also called: HSAN VI; Neuropathy, hereditary sensory and autonomic, type VI. Identifiers: Orphanet 314381, MedGen C3539003, MONDO:0013839, OMIM 614653.

gnomAD v4.1: 3 of 1,607,992 alleles (0.00019%); highest among the groups gnomAD compares: Non-Finnish European, 0.00026%; no homozygotes.

Submission:

Labcorp Genetics (formerly Invitae), Labcorp
Classification: Uncertain significance for Epidermolysis bullosa simplex 3, localized or generalized intermediate, with BP230 deficiency; Hereditary sensory and autonomic neuropathy type 6. Last evaluated: 2018-10-12. Review status: criteria provided, single submitter. Criteria: Invitae Variant Classification Sherloc (09022015). Collection method: clinical testing. Allele origin: germline.
Comment: Algorithms developed to predict the effect of missense changes on protein structure and function are either unavailable or do not agree on the potential impact of this missense change (SIFT: "Deleterious"; PolyPhen-2: "Probably Damaging"; Align-GVGD: "Class C0"). This sequence change replaces aspartic acid with valine at codon 1076 of the DST protein (p.Asp1076Val). The aspartic acid residue is highly conserved and there is a large physicochemical difference between aspartic acid and valine. This variant is not present in population databases (ExAC no frequency). This variant has not been reported in the literature in individuals with DST-related disease. In summary, the available evidence is currently insufficient to determine the role of this variant in disease. Therefore, it has been classified as a Variant of Uncertain Significance.